The following is an entry in ClinVar:

NM_004046.6(ATP5F1A):c.564A>G (p.Pro188=)

Gene: ATP5F1A (ATP synthase F1 subunit alpha; minus strand). Cytogenetic location: 18q21.1.
Variant type: single nucleotide variant.
Coding change: c.564A>G on transcript NM_004046.6 (MANE Select); coding-DNA position 564, A replaced by G.
Protein change: p.Pro188=; no amino-acid change (proline 188 retained).
Molecular consequence: synonymous variant.
Genome position (GRCh38, 1-based): chr18:46,089,652, T>C on the plus strand (A>G on the coding strand, the complement: ATP5F1A is on the minus strand). VCF-style: chr18-46089652-T-C. GRCh37 (hg19) VCF-style: chr18-43669618-T-C.
Other names: c.414A>G, p.Pro138= (NM_001001935.3, NM_001257335.2); c.564A>G, p.Pro188= (NM_001001937.2); c.498A>G, p.Pro166= (NM_001257334.2).
Identifiers: ClinVar variation 380491 (VCV000380491.13), dbSNP rs113278662, ClinGen allele CA8950774.

ClinVar aggregate classification (germline): Benign. Review status: criteria provided, multiple submitters, no conflicts (2 of 4 stars). 4 submissions from 4 submitters: Benign (3). 1 of the submissions does not count toward it. Last evaluated 2026-01-26.

Allele frequency attached by ClinVar (database versions not stated): gnomAD 0.00577 and 0.00534; TOPMed 0.00952; 1000 Genomes Project 0.00998; 1000 Genomes Project 30x 0.01031; ExAC 0.01183; gnomAD exomes 0.01473 and 0.00459; ESP Exome Variant Server 0.00300.
gnomAD v4.1: 7,714 of 1,614,164 alleles (0.48%); highest among the groups gnomAD compares: Admixed American, 6.2%; 209 homozygotes.

Submissions (4):

Labcorp Genetics (formerly Invitae), Labcorp
Classification: Benign. Last evaluated: 2026-01-26. Review status: criteria provided, single submitter. Criteria: Invitae Variant Classification Sherloc (09022015). Collection method: clinical testing. Allele origin: germline.

GeneDx
Classification: Benign. Last evaluated: 2016-02-03. Review status: criteria provided, single submitter. Criteria: GeneDx Variant Classification (06012015). Collection method: clinical testing. Allele origin: germline. Affected: yes.
Comment: This variant is considered likely benign or benign based on one or more of the following criteria: it is a conservative change, it occurs at a poorly conserved position in the protein, it is predicted to be benign by multiple in silico algorithms, and/or has population frequency not consistent with disease.

Breakthrough Genomics
Classification: Benign. Review status: criteria provided, single submitter. Criteria: ACMG Guidelines, 2015. Collection method: not provided. Allele origin: germline. Inheritance: Autosomal recessive inheritance. Affected: yes.

Mayo Clinic Laboratories, Mayo Clinic
Classification: Benign. Last evaluated: 2017-09-06. Review status: no assertion criteria provided. Collection method: clinical testing. Allele origin: unknown. Not counted in ClinVar's aggregate classification.